The following is an entry in ClinVar:

NM_001330691.3(CEP78):c.1353_1354del (p.Lys451fs)

Gene: CEP78 (centrosomal protein 78; plus strand). Cytogenetic location: 9q21.2.
Variant type: Deletion.
Coding change: c.1353_1354del on transcript NM_001330691.3 (MANE Select); coding-DNA positions 1353 to 1354, 2 bases deleted (AA; older notation c.1353_1354delAA).
Protein change: p.Lys451fs; shifts the reading frame from lysine 451.
Molecular consequence: frameshift variant.
Genome position (GRCh38, 1-based): chr9:78,254,937-78,254,938, AA deleted; deleting any 2 consecutive bases within chr9:78,254,935-78,254,938 gives the same sequence; the c. name uses the placement nearest the transcript's 3' end. VCF-style (leftmost placement, unchanged base first): chr9-78254934-GAA-G. GRCh37 (hg19) VCF-style: chr9-80869850-GAA-G.
Other names: c.1356_1357del, p.Lys452fs (NM_001098802.3, NM_001349839.2, NM_001349840.2 and 1 more transcripts); c.1353_1354del, p.Lys451fs (NM_001330693.3, NM_001330694.2, NM_001349838.2); short protein forms K451fs, K452fs.
Identifiers: ClinVar variation 4797316 (VCV004797316.1).

ClinVar aggregate classification (germline): Pathogenic (1 of 4 stars; one submission).

Submission:

Labcorp Genetics (formerly Invitae), Labcorp
Classification: Pathogenic. Last evaluated: 2025-02-10. Review status: criteria provided, single submitter. Criteria: Invitae Variant Classification Sherloc (09022015). Collection method: clinical testing. Allele origin: germline.
Comment: This sequence change creates a premature translational stop signal (p.Lys452Asnfs*2) in the CEP78 gene. It is expected to result in an absent or disrupted protein product. Loss-of-function variants in CEP78 are known to be pathogenic (PMID: 27588451, 27588452, 27627988). This variant is present in population databases (no rsID available, gnomAD 0.007%). This variant has not been reported in the literature in individuals affected with CEP78-related conditions. For these reasons, this variant has been classified as Pathogenic.

Literature cited by the submitters: PubMed 27588451; PubMed 27588452; PubMed 27627988.